The following is an entry in ClinVar:

NM_030622.8(CYP2S1):c.1407G>A (p.Pro469=)

Gene: CYP2S1 (cytochrome P450 family 2 subfamily S member 1; plus strand). Cytogenetic location: 19q13.2.
Variant type: single nucleotide variant.
Coding change: c.1407G>A on transcript NM_030622.8 (MANE Select); coding-DNA position 1407, G replaced by A.
Protein change: p.Pro469=; no amino-acid change (proline 469 retained).
Molecular consequence: synonymous variant.
Genome position (GRCh38, 1-based): chr19:41,206,380, G>A. VCF-style: chr19-41206380-G-A. GRCh37 (hg19) VCF-style: chr19-41712285-G-A.
Identifiers: ClinVar variation 2649923 (VCV002649923.24), dbSNP rs111879045, ClinGen allele CA9457707.

ClinVar aggregate classification (germline): Likely benign (1 of 4 stars; one submission).

Allele frequency attached by ClinVar (database versions not stated): gnomAD exomes 0.00085; ExAC 0.00107; ESP Exome Variant Server 0.00131; TOPMed 0.00139; 1000 Genomes Project 0.00140; 1000 Genomes Project 30x 0.00141; gnomAD 0.00146.
gnomAD v4.1: 1,511 of 1,614,014 alleles (0.094%); highest among the groups gnomAD compares: African/African-American, 0.28%; 6 homozygotes.

Submission:

CeGaT Center for Human Genetics Tuebingen
Classification: Likely benign. Last evaluated: 2022-07-01. Review status: criteria provided, single submitter. Criteria: CeGaT Center For Human Genetics Tuebingen Variant Classification Criteria Version 2. Collection method: clinical testing. Allele origin: germline. Affected: yes. Observed: 3 variant alleles.
Comment: CYP2S1: BP4, BP7